The following is an entry in ClinVar:

NM_001013703.3(EIF2AK4):c.-103A>G

Genes: EIF2AK4 (eukaryotic translation initiation factor 2 alpha kinase 4; plus strand), LOC130056813 (ATAC-STARR-seq lymphoblastoid silent region 6314; plus strand). Cytogenetic location: 15q15.1.
Variant type: single nucleotide variant.
Coding change: c.-103A>G on transcript NM_001013703.3; 103 bases upstream of the start codon, A replaced by G.
Genome position (GRCh38, 1-based): chr15:39,934,093, A>G. VCF-style: chr15-39934093-A-G. GRCh37 (hg19) VCF-style: chr15-40226294-A-G.
Identifiers: ClinVar variation 674658 (VCV000674658.4), dbSNP rs508281, ClinGen allele CA14077566.

ClinVar aggregate classification (germline): Benign. Review status: criteria provided, multiple submitters, no conflicts (2 of 4 stars). 2 submissions from 2 submitters: Benign (2). Last evaluated 2018-06-14.

Allele frequency attached by ClinVar (database versions not stated): 1000 Genomes Project 30x 0.61009; gnomAD 0.41322 and 0.42278; TOPMed 0.44572; 1000 Genomes Project 0.61382.

Submissions (2):

GeneDx
Classification: Benign. Last evaluated: 2018-06-14. Review status: criteria provided, single submitter. Criteria: GeneDx Variant Classification (06012015). Collection method: clinical testing. Allele origin: germline. Affected: yes.
Comment: This variant is considered likely benign or benign based on one or more of the following criteria: it is a conservative change, it occurs at a poorly conserved position in the protein, it is predicted to be benign by multiple in silico algorithms, and/or has population frequency not consistent with disease.

Breakthrough Genomics
Classification: Benign. Review status: criteria provided, single submitter. Criteria: ACMG Guidelines, 2015. Collection method: not provided. Allele origin: germline. Inheritance: Autosomal recessive inheritance. Affected: yes.